The following is an entry in ClinVar:

ClinVar aggregate classification (germline): Uncertain significance (1 of 4 stars; one submission).

Conditions:
Cardiovascular phenotype. Identifiers: MedGen CN230736.

gnomAD v4.1: 1 of 1,613,800 alleles (0.000062%); highest among the groups gnomAD compares: Non-Finnish European, 0.000085%; no homozygotes.

Submission:

Ambry Genetics
Classification: Uncertain significance for Cardiovascular phenotype. Last evaluated: 2025-09-18. Review status: criteria provided, single submitter. Criteria: Ambry Variant Classification Scheme 2023. Collection method: clinical testing. Allele origin: germline.
Comment: The p.G1483S variant (also known as c.4447G>A), located in coding exon 31 of the LAMA4 gene, results from a G to A substitution at nucleotide position 4447. The glycine at codon 1483 is replaced by serine, an amino acid with similar properties. This amino acid position is conserved. In addition, this alteration is predicted to be tolerated by in silico analysis. Based on the available evidence, the clinical significance of this variant remains unclear.

NM_001105206.3(LAMA4):c.4468G>A (p.Gly1490Ser)

Gene: LAMA4 (laminin subunit alpha 4; minus strand). Cytogenetic location: 6q21.
Variant type: single nucleotide variant.
Coding change: c.4468G>A on transcript NM_001105206.3 (MANE Select); coding-DNA position 4468, G replaced by A.
Protein change: p.Gly1490Ser; replaces glycine 1490 with serine.
Molecular consequence: missense variant.
Genome position (GRCh38, 1-based): chr6:112,122,021, C>T on the plus strand (G>A on the coding strand, the complement: LAMA4 is on the minus strand). VCF-style: chr6-112122021-C-T. GRCh37 (hg19) VCF-style: chr6-112443224-C-T.
Other names: c.4447G>A, p.Gly1483Ser (NM_001105207.3, NM_002290.5); short protein forms G1490S, G1483S.
Identifiers: ClinVar variation 4614437 (VCV004614437.1).